The following is an entry in ClinVar:

ClinVar aggregate classification (germline): Uncertain significance (1 of 4 stars; one submission).

Conditions:
Cardiovascular phenotype. Identifiers: MedGen CN230736.

Allele frequency attached by ClinVar (database versions not stated): gnomAD exomes below 0.00001; TOPMed below 0.00001; gnomAD 0.00001.
gnomAD v4.1: 3 of 1,598,398 alleles (0.00019%); highest among the groups gnomAD compares: Non-Finnish European, 0.00026%; no homozygotes.

Submission:

Ambry Genetics
Classification: Uncertain significance for Cardiovascular phenotype. Last evaluated: 2020-07-07. Review status: criteria provided, single submitter. Criteria: Ambry Variant Classification Scheme 2023. Collection method: clinical testing. Allele origin: germline.
Comment: The p.L5757R variant (also known as c.17270T>G), located in coding exon 68 of the TTN gene, results from a T to G substitution at nucleotide position 17270. The leucine at codon 5757 is replaced by arginine, an amino acid with dissimilar properties. This amino acid position is highly conserved in available vertebrate species. In addition, the in silico prediction for this alteration is inconclusive. Since supporting evidence is limited at this time, the clinical significance of this alteration remains unclear.

NM_001267550.2(TTN):c.44465T>G (p.Leu14822Arg)

Gene: TTN (titin; minus strand). Cytogenetic location: 2q31.2.
Variant type: single nucleotide variant.
Coding change: c.44465T>G on transcript NM_001267550.2 (MANE Select); coding-DNA position 44465, T replaced by G.
Protein change: p.Leu14822Arg; replaces leucine 14822 with arginine.
Molecular consequence: missense variant.
Genome position (GRCh38, 1-based): chr2:178,625,356, A>C on the plus strand (T>G on the coding strand, the complement: TTN is on the minus strand). VCF-style: chr2-178625356-A-C. GRCh37 (hg19) VCF-style: chr2-179490083-A-C.
Other names: c.39542T>G, p.Leu13181Arg (NM_001256850.1); c.17270T>G, p.Leu5757Arg (NM_003319.4); c.36761T>G, p.Leu12254Arg (NM_133378.4); c.17645T>G, p.Leu5882Arg (NM_133432.3); c.17846T>G, p.Leu5949Arg (NM_133437.4); short protein forms L5882R, L12254R, L5757R, L5949R, L13181R, L14822R.
Identifiers: ClinVar variation 1778875 (VCV001778875.2), dbSNP rs1235710023, ClinGen allele CA349641693.
Genomic context (GRCh38, chr2:178,625,356, plus strand): 5'-GTTTTGAAATCTTTTGCTGTTAGTTGGACTTCCCCAGCATCTTCTAACTTTACATCCCTC[A>C]GAGTAAGTGTATGAACTTTTCCTTCTGAACGTGGGACCACCTAGTTGTTTTTAAAAAAAG-3'
Protein context (NP_001254479.2, residues 14812-14832): RSEGKVHTLT[Leu14822Arg]RDVKLEDAGE